The following is an entry in ClinVar:

NM_201384.3(PLEC):c.4967G>C (p.Ser1656Thr)

Gene: PLEC (plectin; minus strand). Cytogenetic location: 8q24.3.
Variant type: single nucleotide variant.
Coding change: c.4967G>C on transcript NM_201384.3 (MANE Select); coding-DNA position 4967, G replaced by C.
Protein change: p.Ser1656Thr; replaces serine 1656 with threonine.
Molecular consequence: missense variant. On other transcripts: intron variant (1).
Genome position (GRCh38, 1-based): chr8:143,924,962, C>G on the plus strand (G>C on the coding strand, the complement: PLEC is on the minus strand). VCF-style: chr8-143924962-C-G. GRCh37 (hg19) VCF-style: chr8-144999130-C-G.
Other names: c.5048G>C, p.Ser1683Thr (NM_000445.5); c.4925G>C, p.Ser1642Thr (NM_201378.4); c.4901G>C, p.Ser1634Thr (NM_201379.3); c.5378G>C, p.Ser1793Thr (NM_201380.4); c.4871G>C, p.Ser1624Thr (NM_201381.3); c.4967G>C, p.Ser1656Thr (NM_201382.4); c.4979G>C, p.Ser1660Thr (NM_201383.3); c.4125+1822G>C (NM_001410941.1); short protein forms S1634T, S1642T, S1624T, S1656T, S1683T, S1793T, S1660T.
Identifiers: ClinVar variation 2922487 (VCV002922487.3), dbSNP rs781892248, ClinGen allele CA4926484.
Genomic context (GRCh38, chr8:143,924,962, plus strand): 5'-CGCCGCCGCGCCTCGCGCTCCGCCTCCTCCTTCTGCTTCTCAGCCTCGGCCTGCGCCAGG[C>G]TCTTCTGCTGCGCCACCTCCTCCGCCTGCAGCCGCAGCCGTAGCGCCTCGTTGGCCTTGA-3'
Protein context (NP_958786.1, residues 1646-1666): LQAEEVAQQK[Ser1656Thr]LAQAEAEKQK

ClinVar aggregate classification (germline): Uncertain significance (1 of 4 stars; one submission).

Conditions:
Epidermolysis bullosa simplex with nail dystrophy (EBS5D). Identifiers: MedGen C4225309, MONDO:0014661, OMIM 616487.
Epidermolysis bullosa simplex, Ogna type (EBS5A). Also called: EPIDERMOLYSIS BULLOSA SIMPLEX 5A, OGNA TYPE; Pidermolysis bullosa simplex 5A, Ogna type. Identifiers: Orphanet 79401, MedGen C0432317, MONDO:0007555, OMIM 131950.
Epidermolysis bullosa simplex 5C, with pyloric atresia (EBS5C). Also called: PLEC1-Related Epidermolysis Bullosa with Pyloric Atresia; PLEC-Related Epidermolysis Bullosa with Pyloric Atresia; Epidermolysis bullosa simplex with pyloric atresia. Identifiers: Orphanet 158684, MedGen C2677349, MONDO:0012807, OMIM 612138.
Autosomal recessive limb-girdle muscular dystrophy type 2Q (LGMDR17). Also called: MUSCULAR DYSTROPHY, LIMB-GIRDLE, AUTOSOMAL RECESSIVE 17. Identifiers: Orphanet 254361, MedGen C3150989, MONDO:0013390, OMIM 613723.
Epidermolysis bullosa simplex 5B, with muscular dystrophy (EBS5B). Also called: EPIDERMOLYSIS BULLOSA SIMPLEX AND LIMB-GIRDLE MUSCULAR DYSTROPHY; Epidermolysis bullosa simplex with muscular dystrophy. Identifiers: Orphanet 257, MedGen C2931072, MONDO:0009181, OMIM 226670.

Allele frequency attached by ClinVar (database versions not stated): TOPMed 0.00001.
gnomAD v4.1: 1 of 1,580,278 alleles (0.000063%); highest among the groups gnomAD compares: Non-Finnish European, 0.000085%; no homozygotes.

Submission:

Labcorp Genetics (formerly Invitae), Labcorp
Classification: Uncertain significance for Autosomal recessive limb-girdle muscular dystrophy type 2Q; Epidermolysis bullosa simplex, Ogna type; Epidermolysis bullosa simplex with nail dystrophy; Epidermolysis bullosa simplex 5C, with pyloric atresia; Epidermolysis bullosa simplex 5B, with muscular dystrophy. Last evaluated: 2025-12-20. Review status: criteria provided, single submitter. Criteria: Invitae Variant Classification Sherloc (09022015). Collection method: clinical testing. Allele origin: germline.
Comment: This sequence change replaces serine, which is neutral and polar, with threonine, which is neutral and polar, at codon 1683 of the PLEC protein (p.Ser1683Thr). This variant is present in population databases (rs781892248, gnomAD 0.003%). This variant has not been reported in the literature in individuals affected with PLEC-related conditions. ClinVar contains an entry for this variant (Variation ID: 2922487). An algorithm developed to predict the effect of missense changes on protein structure and function outputs the following: PolyPhen-2: "Not Available". The threonine amino acid residue is found in multiple mammalian species, which suggests that this missense change does not adversely affect protein function. In summary, the available evidence is currently insufficient to determine the role of this variant in disease. Therefore, it has been classified as a Variant of Uncertain Significance.